The following is an entry in ClinVar:

NM_021008.4(DEAF1):c.1141G>T (p.Val381Leu)

Gene: DEAF1 (DEAF1 transcription factor; minus strand). Cytogenetic location: 11p15.5.
Variant type: single nucleotide variant.
Coding change: c.1141G>T on transcript NM_021008.4 (MANE Select); coding-DNA position 1141, G replaced by T.
Protein change: p.Val381Leu; replaces valine 381 with leucine.
Molecular consequence: missense variant.
Genome position (GRCh38, 1-based): chr11:678,808, C>A on the plus strand (G>T on the coding strand, the complement: DEAF1 is on the minus strand). VCF-style: chr11-678808-C-A. GRCh37 (hg19) VCF-style: chr11-678808-C-A.
Other names: c.874G>T, p.Val292Leu (NM_001293634.2); c.415G>T, p.Val139Leu (NM_001367390.1); short protein forms V139L, V292L, V381L.
Identifiers: ClinVar variation 2127048 (VCV002127048.4), dbSNP rs753669832, ClinGen allele CA378925684.

ClinVar aggregate classification (germline): Uncertain significance (1 of 4 stars; one submission).

gnomAD v4.1: 1 of 1,613,914 alleles (0.000062%); highest among the groups gnomAD compares: African/African-American, 0.0013%; no homozygotes.

Submission:

Labcorp Genetics (formerly Invitae), Labcorp
Classification: Uncertain significance. Last evaluated: 2022-04-16. Review status: criteria provided, single submitter. Criteria: Invitae Variant Classification Sherloc (09022015). Collection method: clinical testing. Allele origin: germline.
Comment: This sequence change replaces valine, which is neutral and non-polar, with leucine, which is neutral and non-polar, at codon 381 of the DEAF1 protein (p.Val381Leu). This variant is not present in population databases (gnomAD no frequency). This variant has not been reported in the literature in individuals affected with DEAF1-related conditions. Advanced modeling of protein sequence and biophysical properties (such as structural, functional, and spatial information, amino acid conservation, physicochemical variation, residue mobility, and thermodynamic stability) performed at Invitae indicates that this missense variant is not expected to disrupt DEAF1 protein function. In summary, the available evidence is currently insufficient to determine the role of this variant in disease. Therefore, it has been classified as a Variant of Uncertain Significance.